The following is an entry in ClinVar:

NM_016247.4(IMPG2):c.3059A>G (p.Asn1020Ser)

Gene: IMPG2 (interphotoreceptor matrix proteoglycan 2; minus strand). Cytogenetic location: 3q12.3.
Variant type: single nucleotide variant.
Coding change: c.3059A>G on transcript NM_016247.4 (MANE Select); coding-DNA position 3059, A replaced by G.
Protein change: p.Asn1020Ser; replaces asparagine 1020 with serine.
Molecular consequence: missense variant.
Genome position (GRCh38, 1-based): chr3:101,232,955, T>C on the plus strand (A>G on the coding strand, the complement: IMPG2 is on the minus strand). VCF-style: chr3-101232955-T-C. GRCh37 (hg19) VCF-style: chr3-100951799-T-C.
Other names: short protein forms N1020S.
Identifiers: ClinVar variation 2128969 (VCV002128969.4), dbSNP rs2508925502, ClinGen allele CA353850629.

ClinVar aggregate classification (germline): Uncertain significance (1 of 4 stars; one submission).

Submission:

Labcorp Genetics (formerly Invitae), Labcorp
Classification: Uncertain significance. Last evaluated: 2022-07-27. Review status: criteria provided, single submitter. Criteria: Invitae Variant Classification Sherloc (09022015). Collection method: clinical testing. Allele origin: germline.
Comment: In summary, the available evidence is currently insufficient to determine the role of this variant in disease. Therefore, it has been classified as a Variant of Uncertain Significance. Algorithms developed to predict the effect of sequence changes on RNA splicing suggest that this variant may disrupt the consensus splice site. Algorithms developed to predict the effect of missense changes on protein structure and function (SIFT, PolyPhen-2, Align-GVGD) all suggest that this variant is likely to be disruptive. This variant has not been reported in the literature in individuals affected with IMPG2-related conditions. This variant is not present in population databases (gnomAD no frequency). This sequence change replaces asparagine, which is neutral and polar, with serine, which is neutral and polar, at codon 1020 of the IMPG2 protein (p.Asn1020Ser).